The following is an entry in ClinVar:

ClinVar aggregate classification (germline): Uncertain significance. Review status: criteria provided, multiple submitters, no conflicts (2 of 4 stars). 3 submissions from 3 submitters: Uncertain significance (3). Last evaluated 2025-01-03.

Conditions:
Wilms tumor 1 (WT1). Also called: Wilms tumor, somatic. Identifiers: Orphanet 654, MedGen CN033288, MONDO:0008679, OMIM 194070.
Drash syndrome (DDS). Also called: NEPHROPATHY, WILMS TUMOR, AND GENITAL ANOMALIES; WILMS TUMOR AND PSEUDO- OR TRUE HERMAPHRODITISM. Identifiers: Orphanet 220, MedGen C0950121, MONDO:0008682, OMIM 194080.
11p partial monosomy syndrome (WAGR). Also called: WAGR Spectrum Disorder; CHROMOSOME 11p13 DELETION SYNDROME; WAGR syndrome; WAGR Complex. Identifiers: Orphanet 893, MedGen C0206115, MONDO:0008681, OMIM 194072.
Frasier syndrome. Identifiers: Orphanet 347, MedGen C0950122, MeSH D052159, MONDO:0007635, OMIM 136680.
Inborn genetic diseases. Identifiers: MedGen C0950123, MeSH D030342.

Allele frequency attached by ClinVar (database versions not stated): gnomAD exomes 0.00001.
gnomAD v4.1: 12 of 1,510,070 alleles (0.00079%); highest among the groups gnomAD compares: African/African-American, 0.0014%; no homozygotes.

Submissions (3):

Ambry Genetics
Classification: Uncertain significance for Inborn genetic diseases. Last evaluated: 2025-01-03. Review status: criteria provided, single submitter. Criteria: Ambry Variant Classification Scheme 2023. Collection method: clinical testing. Allele origin: germline.
Comment: The p.A78P variant (also known as c.232G>C), located in coding exon 1 of the WT1 gene, results from a G to C substitution at nucleotide position 232. The alanine at codon 78 is replaced by proline, an amino acid with highly similar properties. This amino acid position is conserved. In addition, the in silico prediction for this alteration is inconclusive. Based on the available evidence, the clinical significance of this variant remains unclear.

All of Us Research Program, National Institutes of Health
Classification: Uncertain significance for Wilms tumor 1. Last evaluated: 2024-06-17. Review status: criteria provided, single submitter. Criteria: ACMG Guidelines, 2015. Collection method: clinical testing. Allele origin: germline. Inheritance: Autosomal dominant inheritance. Observed: 4 variant alleles, 4 heterozygotes.
Comment: This missense variant replaces alanine with proline at codon 78 in the WT1 protein. Computational prediction is inconclusive regarding the impact of this variant on protein structure and function (internally defined REVEL score threshold 0.5 < inconclusive < 0.7, PMID: 27666373). To our knowledge, functional studies have not been reported for this variant. This variant has not been reported in individuals affected with WT1-related disorders in the literature. This variant has not been identified in the general population by the Genome Aggregation Database (gnomAD). The available evidence is insufficient to determine the role of this variant in disease conclusively. Therefore, this variant is classified as a Variant of Uncertain Significance.

This study involves interpretation of variants in research participants for the purpose of population health screening. Participant phenotype was not available at the time of variant classification. Additional details can be found in publication PMID: 35346344, PMCID: PMC8962531

Labcorp Genetics (formerly Invitae), Labcorp
Classification: Uncertain significance for Wilms tumor 1; Drash syndrome; 11p partial monosomy syndrome; Frasier syndrome. Last evaluated: 2024-02-24. Review status: criteria provided, single submitter. Criteria: Invitae Variant Classification Sherloc (09022015). Collection method: clinical testing. Allele origin: germline.
Comment: This sequence change replaces alanine, which is neutral and non-polar, with proline, which is neutral and non-polar, at codon 78 of the WT1 protein (p.Ala78Pro). This variant is not present in population databases (gnomAD no frequency). This variant has not been reported in the literature in individuals affected with WT1-related conditions. ClinVar contains an entry for this variant (Variation ID: 476697). Advanced modeling of protein sequence and biophysical properties (such as structural, functional, and spatial information, amino acid conservation, physicochemical variation, residue mobility, and thermodynamic stability) performed at Invitae indicates that this missense variant is not expected to disrupt WT1 protein function with a negative predictive value of 95%. In summary, the available evidence is currently insufficient to determine the role of this variant in disease. Therefore, it has been classified as a Variant of Uncertain Significance.

NM_024426.6(WT1):c.247G>C (p.Ala83Pro)

Genes: WT1 (WT1 transcription factor; minus strand), LOC107982234 (WT1/WT1-AS bi-directional promoter region; plus strand). Cytogenetic location: 11p13.
Variant type: single nucleotide variant.
Coding change: c.247G>C on transcript NM_024426.6 (MANE Select); coding-DNA position 247, G replaced by C.
Protein change: p.Ala83Pro; replaces alanine 83 with proline.
Molecular consequence: missense variant. On other transcripts: non-coding transcript variant (1).
Genome position (GRCh38, 1-based): chr11:32,435,114, C>G on the plus strand (G>C on the coding strand, the complement: WT1 is on the minus strand). VCF-style: chr11-32435114-C-G. GRCh37 (hg19) VCF-style: chr11-32456660-C-G.
Other names: c.247G>C, p.Ala83Pro (NM_000378.6, NM_024424.5); short protein forms A83P.
Identifiers: ClinVar variation 476697 (VCV000476697.14), dbSNP rs886048231, ClinGen allele CA379966074.
Genomic context (GRCh38, chr11:32,435,114, plus strand): 5'-CGCTCACAGGCAGGGCACAGCCGCCGCCGCCACCCAGGGAGGGGACGGCGGGCAGCAGCG[C>G]GTTCAGGTCCCGCACGTCGGAGCCCATTTGCTGCGGCTCAGACCCGGACGCCCCGCGGCT-3'
Protein context (NP_077744.4, residues 73-93): QMGSDVRDLN[Ala83Pro]LLPAVPSLGG